The following is an entry in ClinVar:

ClinVar aggregate classification (germline): Uncertain significance (1 of 4 stars; one submission).

Conditions:
COG4-congenital disorder of glycosylation. Also called: COG4-CDG; CONGENITAL DISORDER OF GLYCOSYLATION, TYPE IIj; CDG IIj. Identifiers: Orphanet 263501, MedGen C4303552, MONDO:0013281, OMIM 613489.

gnomAD v4.1: 26 of 1,614,020 alleles (0.0016%); highest among the groups gnomAD compares: Non-Finnish European, 0.0017%; no homozygotes.

Submission:

Institute of Human Genetics, University of Leipzig Medical Center
Classification: Uncertain significance for COG4-congenital disorder of glycosylation. Last evaluated: 2026-08-31. Review status: criteria provided, single submitter. Criteria: ACMG Guidelines, 2015. Collection method: clinical testing. Allele origin: paternal. Inheritance: Autosomal recessive inheritance. Affected: yes.
Comment: Criteria applied: PM2,PP3

NM_015386.3(COG4):c.1647+5G>A

Gene: COG4 (component of oligomeric golgi complex 4; minus strand). Cytogenetic location: 16q22.1.
Variant type: single nucleotide variant.
Coding change: c.1647+5G>A on transcript NM_015386.3 (MANE Select); 5 bases into the intron after coding-DNA position 1647, G replaced by A.
Molecular consequence: intron variant.
Genome position (GRCh38, 1-based): chr16:70,496,261, C>T on the plus strand (G>A on the coding strand, the complement: COG4 is on the minus strand). VCF-style: chr16-70496261-C-T. GRCh37 (hg19) VCF-style: chr16-70530164-C-T.
Other names: c.1635+5G>A (NM_001195139.2); c.1221+5G>A (NM_001365426.1).
Identifiers: ClinVar variation 4890743 (VCV004890743.1).